The following is an entry in ClinVar:

ClinVar aggregate classification (germline): Uncertain significance (1 of 4 stars; one submission).

Conditions:
Tuberous sclerosis 1 (TSC1). Identifiers: Orphanet 805, MedGen C1854465, MONDO:0008612, OMIM 191100.

Submission:

Labcorp Genetics (formerly Invitae), Labcorp
Classification: Uncertain significance for Tuberous sclerosis 1. Last evaluated: 2021-07-22. Review status: criteria provided, single submitter. Criteria: Invitae Variant Classification Sherloc (09022015). Collection method: clinical testing. Allele origin: germline.
Comment: This sequence change falls in intron 20 of the TSC1 gene. It does not directly change the encoded amino acid sequence of the TSC1 protein. It affects a nucleotide within the consensus splice site of the intron. This variant is not present in population databases (ExAC no frequency). This variant has not been reported in the literature in individuals affected with TSC1-related conditions. Nucleotide substitutions within the consensus splice site are a relatively common cause of aberrant splicing (PMID: 17576681, 9536098). Algorithms developed to predict the effect of sequence changes on RNA splicing suggest that this variant may disrupt the consensus splice site. In summary, the available evidence is currently insufficient to determine the role of this variant in disease. Therefore, it has been classified as a Variant of Uncertain Significance.

Literature cited by the submitters: PubMed 17576681; PubMed 9536098.

NM_000368.5(TSC1):c.2625+3A>G

Gene: TSC1 (TSC complex subunit 1; minus strand). Cytogenetic location: 9q34.13.
Variant type: single nucleotide variant.
Coding change: c.2625+3A>G on transcript NM_000368.5 (MANE Select); 3 bases into the intron after coding-DNA position 2625, A replaced by G.
Molecular consequence: intron variant.
Genome position (GRCh38, 1-based): chr9:132,900,712, T>C on the plus strand (A>G on the coding strand, the complement: TSC1 is on the minus strand). VCF-style: chr9-132900712-T-C. GRCh37 (hg19) VCF-style: chr9-135776099-T-C.
Other names: c.2262+3A>G (NM_001362177.2); c.2472+3A>G (NM_001162427.2); c.2622+3A>G (NM_001162426.2).
Identifiers: ClinVar variation 1353845 (VCV001353845.6), dbSNP rs1845325976, ClinGen allele CA1882405793.